The following is an entry in ClinVar:

NM_000553.6(WRN):c.936C>G (p.Ser312Arg)

Gene: WRN (WRN RecQ like helicase; plus strand). Cytogenetic location: 8p12.
Variant type: single nucleotide variant.
Coding change: c.936C>G on transcript NM_000553.6 (MANE Select); coding-DNA position 936, C replaced by G.
Protein change: p.Ser312Arg; replaces serine 312 with arginine.
Molecular consequence: missense variant.
Genome position (GRCh38, 1-based): chr8:31,080,963, C>G. VCF-style: chr8-31080963-C-G. GRCh37 (hg19) VCF-style: chr8-30938479-C-G.
Other names: short protein forms S312R.
Identifiers: ClinVar variation 1468803 (VCV001468803.6), dbSNP rs1813280266, ClinGen allele CA370919955.
Genomic context (GRCh38, chr8:31,080,963, plus strand): 5'-ATATTCACTGAGGAGGATGATAATTGGGTCTACTAACATTGAGACTGAACTGAGGCCCAG[C>G]AATAATTTAAACTTATTATCCTTTGAAGATTCAACTACTGGGGGAGTACAACAGAAACAA-3'
Protein context (NP_000544.2, residues 302-322): STNIETELRP[Ser312Arg]NNLNLLSFED

ClinVar aggregate classification (germline): Uncertain significance (1 of 4 stars; one submission).

Conditions:
Werner syndrome (WRN). Identifiers: Orphanet 902, MedGen C0043119, MONDO:0010196, OMIM 277700.

Submission:

Labcorp Genetics (formerly Invitae), Labcorp
Classification: Uncertain significance for Werner syndrome. Last evaluated: 2021-11-23. Review status: criteria provided, single submitter. Criteria: Invitae Variant Classification Sherloc (09022015). Collection method: clinical testing. Allele origin: germline.
Comment: This sequence change replaces serine, which is neutral and polar, with arginine, which is basic and polar, at codon 312 of the WRN protein (p.Ser312Arg). This variant is not present in population databases (gnomAD no frequency). In summary, the available evidence is currently insufficient to determine the role of this variant in disease. Therefore, it has been classified as a Variant of Uncertain Significance. Algorithms developed to predict the effect of missense changes on protein structure and function are either unavailable or do not agree on the potential impact of this missense change (SIFT: "Not Available"; PolyPhen-2: "Benign"; Align-GVGD: "Not Available"). This variant has not been reported in the literature in individuals affected with WRN-related conditions.